The following is an entry in ClinVar:

ClinVar aggregate classification (germline): Likely benign. Review status: criteria provided, multiple submitters, no conflicts (2 of 4 stars). 3 submissions from 3 submitters: Likely benign (3). Last evaluated 2025-12-08.

Conditions:
Hereditary cancer-predisposing syndrome. Also called: Neoplastic Syndromes, Hereditary; Hereditary Cancer Syndrome; Tumor predisposition; Hereditary neoplastic syndrome. Identifiers: Orphanet 140162, MedGen C0027672, MeSH D009386, MONDO:0015356.
Ataxia-telangiectasia syndrome (AT). Also called: LOUIS-BAR SYNDROME; Cerebello-oculocutaneous telangiectasia; Immunodeficiency with ataxia telangiectasia; Ataxia-telangiectasia, complementation group D; AT, COMPLEMENTATION GROUP C; Ataxia-telangiectasia, complementation group E. Identifiers: Orphanet 100, MedGen C0004135, MONDO:0008840, OMIM 208900.

Allele frequency attached by ClinVar (database versions not stated): gnomAD exomes below 0.00001.

Submissions (3):

Labcorp Genetics (formerly Invitae), Labcorp
Classification: Likely benign for Ataxia-telangiectasia syndrome. Last evaluated: 2025-12-08. Review status: criteria provided, single submitter. Criteria: Invitae Variant Classification Sherloc (09022015). Collection method: clinical testing. Allele origin: germline.

Color Diagnostics, LLC DBA Color Health
Classification: Likely benign for Hereditary cancer-predisposing syndrome. Last evaluated: 2018-01-19. Review status: criteria provided, single submitter. Criteria: ACMG Guidelines, 2015. Collection method: clinical testing. Allele origin: germline.

GeneDx
Classification: Likely benign. Last evaluated: 2016-06-27. Review status: criteria provided, single submitter. Criteria: GeneDx Variant Classification (06012015). Collection method: clinical testing. Allele origin: germline. Affected: yes.
Comment: This variant is considered likely benign or benign based on one or more of the following criteria: it is a conservative change, it occurs at a poorly conserved position in the protein, it is predicted to be benign by multiple in silico algorithms, and/or has population frequency not consistent with disease.

NM_000051.4(ATM):c.6975+14dup

Genes: ATM (ATM serine/threonine kinase; plus strand), C11orf65 (chromosome 11 open reading frame 65; minus strand). Cytogenetic location: 11q22.3.
Variant type: Duplication.
Coding change: c.6975+14dup on transcript NM_000051.4 (MANE Select); 14 bases into the intron after coding-DNA position 6975, one base duplicated (A; older notation c.6975+14dupA).
Molecular consequence: intron variant.
Genome position (GRCh38, 1-based): chr11:108,326,239, A duplicated. VCF-style (leftmost placement, unchanged base first): chr11-108326238-T-TA. GRCh37 (hg19) VCF-style: chr11-108196965-T-TA.
Other names: c.6975+14dupA (NM_000051.3); c.6975+14dup (NM_001351834.2); c.641-17168dup (NM_001330368.2); c.*38+8981dup (NM_001351110.2).
Identifiers: ClinVar variation 421529 (VCV000421529.13), dbSNP rs1555120120, ClinGen allele CA16619225.